The following is an entry in ClinVar:

ClinVar aggregate classification (germline): Uncertain significance. Review status: criteria provided, multiple submitters, no conflicts (2 of 4 stars). 6 submissions from 6 submitters: Uncertain significance (6). Last evaluated 2026-09-14.

Conditions:
Familial cancer of breast. Also called: BREAST CANCER, FAMILIAL; hereditary breast carcinoma; Hereditary breast cancer. Identifiers: Orphanet 227535, MedGen C0346153, MONDO:0016419, OMIM 114480. Disease mechanism: loss of function.
Hereditary cancer-predisposing syndrome. Also called: Neoplastic Syndromes, Hereditary; Tumor predisposition; Hereditary Cancer Syndrome; Hereditary neoplastic syndrome. Identifiers: Orphanet 140162, MedGen C0027672, MeSH D009386, MONDO:0015356.
CHEK2-related cancer predisposition (TPDS4). Also called: CANCER PREDISPOSITION SYNDROME, CHEK2-RELATED; CHEK2-related cancer susceptibility; TUMOR PREDISPOSITION SYNDROME 4. Identifiers: Orphanet 524, MedGen C5882668, MONDO:0700271, OMIM 609265.

gnomAD v4.1: 1 of 1,614,018 alleles (0.000062%); highest among the groups gnomAD compares: Admixed American, 0.0017%; no homozygotes.

Submissions (6):

Hema, HEMA – Genetic and Molecular Diagnostic Laboratory
Classification: Uncertain significance for CHEK2-related cancer predisposition. Last evaluated: 2026-09-14. Review status: criteria provided, single submitter. Criteria: HEMA Variant Classification Assertion Criteria. Collection method: clinical testing. Allele origin: germline.
Comment: The c.275C>G (p.Pro92Arg) variant is a transversion from guanine to cytosine, resulting in the substitution of proline 92 with arginine. PM2_Supporting: Present at very low frequency in gnomAD.

Labcorp Genetics (formerly Invitae), Labcorp
Classification: Uncertain significance for Familial cancer of breast. Last evaluated: 2025-07-25. Review status: criteria provided, single submitter. Criteria: Invitae Variant Classification Sherloc (09022015). Collection method: clinical testing. Allele origin: germline.
Comment: This sequence change replaces proline, which is neutral and non-polar, with arginine, which is basic and polar, at codon 92 of the CHEK2 protein (p.Pro92Arg). This variant is not present in population databases (gnomAD no frequency). This missense change has been observed in individual(s) with breast cancer (PMID: 23806170, 37306523). ClinVar contains an entry for this variant (Variation ID: 410028). An algorithm developed to predict the effect of missense changes on protein structure and function (PolyPhen-2) suggests that this variant is likely to be disruptive. In summary, the available evidence is currently insufficient to determine the role of this variant in disease. Therefore, it has been classified as a Variant of Uncertain Significance.

Ambry Genetics
Classification: Uncertain significance for Hereditary cancer-predisposing syndrome. Last evaluated: 2024-04-05. Review status: criteria provided, single submitter. Criteria: Ambry Variant Classification Scheme 2023. Collection method: clinical testing. Allele origin: germline.
Comment: The p.P92R variant (also known as c.275C>G), located in coding exon 1 of the CHEK2 gene, results from a C to G substitution at nucleotide position 275. The proline at codon 92 is replaced by arginine, an amino acid with dissimilar properties. This amino acid position is well conserved in available vertebrate species. In addition, the in silico prediction for this alteration is inconclusive. Based on the available evidence, the clinical significance of this variant remains unclear.

Baylor Genetics
Classification: Uncertain significance for Familial cancer of breast. Last evaluated: 2023-10-27. Review status: criteria provided, single submitter. Criteria: ACMG Guidelines, 2015. Collection method: clinical testing. Allele origin: unknown.

Color Diagnostics, LLC DBA Color Health
Classification: Uncertain significance for Hereditary cancer-predisposing syndrome. Last evaluated: 2022-11-22. Review status: criteria provided, single submitter. Criteria: ACMG Guidelines, 2015. Collection method: clinical testing. Allele origin: germline.
Comment: This missense variant replaces proline with arginine at codon 92 of the CHEK2 protein. Computational prediction tools and conservation analyses are inconclusive regarding the impact of this variant on protein structure and function. Splice site prediction tools suggest that this variant may not impact RNA splicing. To our knowledge, functional studies have not been performed for this variant. This variant has been reported in an individual affected with familial breast cancer (PMID: 23806170). This variant has not been identified in the general population by the Genome Aggregation Database (gnomAD). The available evidence is insufficient to determine the role of this variant in disease conclusively. Therefore, this variant is classified as a Variant of Uncertain Significance.

Neuberg Centre For Genomic Medicine, NCGM
Classification: Uncertain significance for Familial cancer of breast. Review status: criteria provided, single submitter. Criteria: ACMG Guidelines, 2015. Collection method: clinical testing. Allele origin: germline. Inheritance: Autosomal dominant inheritance. Affected: yes.
Comment: The missense c.275C>G p.Pro92Arg variant in the CHEK2 gene has been observed in individuals with breast cancer Rashid, Muhammad U et al.,2013. The variant is novel not in any individuals in gnomAD Exomes and 1000 Genomes. It is submitted to ClinVar as Uncertain Significance. The amino acid Proline at position 92 is changed to a Arginine changing protein sequence and it might alter its composition and physico-chemical properties. The amino acid change p.Pro92Arg in CHEK2 is predicted as conserved by GERP++ and PhyloP across 100 vertebrates. Additional studies in multiple affected individuals and functional evidences are required to prove the pathogenicity of the variant. For these reasons, this variant has been classified as Uncertain Significance.

Literature cited by the submitters: PubMed 23806170 (cited by 3 submitters); PubMed 37306523 (cited by Labcorp Genetics (formerly Invitae), Labcorp and Ambry Genetics).

NM_007194.4(CHEK2):c.275C>G (p.Pro92Arg)

Gene: CHEK2 (checkpoint kinase 2; minus strand). Cytogenetic location: 22q12.1.
Variant type: single nucleotide variant.
Coding change: c.275C>G on transcript NM_007194.4 (MANE Select); coding-DNA position 275, C replaced by G.
Protein change: p.Pro92Arg; replaces proline 92 with arginine.
Molecular consequence: missense variant.
Genome position (GRCh38, 1-based): chr22:28,734,447, G>C on the plus strand (C>G on the coding strand, the complement: CHEK2 is on the minus strand). VCF-style: chr22-28734447-G-C. GRCh37 (hg19) VCF-style: chr22-29130435-G-C.
Other names: c.275C>G, p.Pro92Arg (NM_001005735.3, NM_001349956.3, NM_145862.3); c.-503C>G (NM_001257387.3); short protein forms P92R.
Identifiers: ClinVar variation 410028 (VCV000410028.23), dbSNP rs779269031, ClinGen allele CA16616359.